The following is an entry in ClinVar:

ClinVar aggregate classification (germline): Conflicting classifications of pathogenicity. Review status: criteria provided, conflicting classifications (1 of 4 stars). 10 submissions from 6 submitters: Uncertain significance (6); Benign (2); Likely benign (2). Last evaluated 2026-03-27.

Conditions:
Cardiovascular phenotype. Identifiers: MedGen CN230736.
Early-onset myopathy with fatal cardiomyopathy (CMYO5). Also called: Salih Myopathy; CONGENITAL MYOPATHY 5 WITH CARDIOMYOPATHY. Identifiers: Orphanet 289377, MedGen C2673677, MONDO:0012714, OMIM 611705. Disease mechanism: loss of function.
Dilated cardiomyopathy 1G (CMD1G). Identifiers: Orphanet 154, MedGen C1858763, MONDO:0011400, OMIM 604145.
Autosomal recessive limb-girdle muscular dystrophy type 2J (LGMDR10). Also called: Limb-girdle muscular dystrophy, type 2J; MUSCULAR DYSTROPHY, LIMB-GIRDLE, AUTOSOMAL RECESSIVE 10. Identifiers: Orphanet 140922, MedGen C1837342, MONDO:0012127, OMIM 608807.
Tibial muscular dystrophy (TMD). Also called: Udd Distal Myopathy – Tibial Muscular Dystrophy; UDD MYOPATHY; Tibial muscular dystrophy, tardive. Identifiers: Orphanet 609, MedGen C1838244, MONDO:0010870, OMIM 600334.
Myopathy, myofibrillar, 9, with early respiratory failure (MFM9). Also called: Hereditary myopathy with early respiratory failure; EDSTROM MYOPATHY; MYOPATHY, PROXIMAL, WITH EARLY RESPIRATORY MUSCLE INVOLVEMENT; Myopathy, distal, with early respiratory failure, autosomal dominant. Identifiers: Orphanet 178464, Orphanet 34521, MedGen C1863599, MONDO:0011362, OMIM 603689.

Allele frequency attached by ClinVar (database versions not stated): gnomAD 0.00001 and 0.00002; TOPMed 0.00003; gnomAD exomes 0.00006.
gnomAD v4.1: 86 of 1,613,670 alleles (0.0053%); highest among the groups gnomAD compares: South Asian, 0.037%; no homozygotes.

Submissions (10):

Molecular Diagnostic Laboratory for Inherited Cardiovascular Disease, Montreal Heart Institute
Classification: Likely benign. Last evaluated: 2026-03-27. Review status: criteria provided, single submitter. Criteria: ACMG Guidelines, 2015. Collection method: clinical testing. Allele origin: germline. Affected: no.
Comment: BS1;BP1

Blueprint Genetics
Classification: Likely benign. Last evaluated: 2024-02-02. Review status: criteria provided, single submitter. Criteria: ACMG Guidelines, 2015. Collection method: clinical testing. Allele origin: germline.

Mayo Clinic Laboratories, Mayo Clinic
Classification: Uncertain significance. Last evaluated: 2022-03-17. Review status: criteria provided, single submitter. Criteria: ACMG Guidelines, 2015. Collection method: clinical testing. Allele origin: germline. Observed: 1 variant allele.

Illumina Laboratory Services, Illumina
Classification: Uncertain significance for Autosomal recessive limb-girdle muscular dystrophy type 2J. Last evaluated: 2018-01-13. Review status: criteria provided, single submitter. Criteria: ICSL Variant Classification Criteria 13 December 2019. Collection method: clinical testing. Allele origin: germline.

Illumina Laboratory Services, Illumina
Classification: Benign for Myopathy, myofibrillar, 9, with early respiratory failure. Last evaluated: 2018-01-13. Review status: criteria provided, single submitter. Criteria: ICSL Variant Classification Criteria 13 December 2019. Collection method: clinical testing. Allele origin: germline.
Comment: This variant was observed in the ICSL laboratory as part of a predisposition screen in an ostensibly healthy population. It had not been previously curated by ICSL or reported in the Human Gene Mutation Database (HGMD: prior to June 1st, 2018), and was therefore a candidate for classification through an automated scoring system. Utilizing variant allele frequency, disease prevalence and penetrance estimates, and inheritance mode, an automated score was calculated to assess if this variant is too frequent to cause the disease. Based on the score and internal cut-off values, a variant classified as benign is not then subjected to further curation. The score for this variant resulted in a classification of benign for this disease.

Illumina Laboratory Services, Illumina
Classification: Uncertain significance for Early-onset myopathy with fatal cardiomyopathy. Last evaluated: 2018-01-13. Review status: criteria provided, single submitter. Criteria: ICSL Variant Classification Criteria 13 December 2019. Collection method: clinical testing. Allele origin: germline.

Illumina Laboratory Services, Illumina
Classification: Benign for Tibial muscular dystrophy. Last evaluated: 2018-01-13. Review status: criteria provided, single submitter. Criteria: ICSL Variant Classification Criteria 13 December 2019. Collection method: clinical testing. Allele origin: germline.
Comment: the same text as in the submission from Illumina Laboratory Services, Illumina above.

Illumina Laboratory Services, Illumina
Classification: Uncertain significance for Dilated cardiomyopathy 1G. Last evaluated: 2018-01-13. Review status: criteria provided, single submitter. Criteria: ICSL Variant Classification Criteria 13 December 2019. Collection method: clinical testing. Allele origin: germline.

Ambry Genetics
Classification: Uncertain significance for Cardiovascular phenotype. Last evaluated: 2015-09-28. Review status: criteria provided, single submitter. Criteria: Ambry Variant Classification Scheme 2023. Collection method: clinical testing. Allele origin: germline.
Comment: The p.R22284C variant (also known as c.66850C>T), located in coding exon 166 of the TTN gene, results from a C to T substitution at nucleotide position 66850. The arginine at codon 22284 is replaced by cysteine, an amino acid with highly dissimilar properties. This variant was previously reported in the SNPDatabase as rs727503549. Based on data from ExAC, the T allele was reported in 17 of 120500 (0.01%) total alleles (Exome Aggregation Consortium (ExAC), Cambridge, MA (URL) [Accessed September 23, 2015]). This variant was not reported in population based cohorts in the following databases: NHLBI Exome Sequencing Project (ESP) and 1000 Genomes Project. In the ESP, this variant was not observed in 6066 samples (12132 alleles) with coverage at this position. This amino acid position is highly conserved in available vertebrate species. In addition, this alteration is predicted to be tolerated by in silico analysis. Since supporting evidence is limited at this time, the clinical significance of this variant remains unclear.

Laboratory for Molecular Medicine, Mass General Brigham Personalized Medicine
Classification: Uncertain significance. Last evaluated: 2013-10-10. Review status: criteria provided, single submitter. Criteria: LMM Criteria. Collection method: clinical testing. Allele origin: germline. Observed: 1 variant allele.
Comment: The Arg78781Cys variant in TTN has not been previously reported in individuals w ith cardiomyopathy and was absent from large population studies. Computational a nalyses (biochemical amino acid properties, conservation, AlignGVGD, PolyPhen2, and SIFT) do not provide strong support for or against an impact to the protein. Additional information is needed to fully assess the clinical significance of t his variant.

NM_001267550.2(TTN):c.94045C>T (p.Arg31349Cys)

Genes: TTN-AS1 (TTN antisense RNA 1; plus strand), TTN (titin; minus strand). Cytogenetic location: 2q31.2.
Variant type: single nucleotide variant.
Coding change: c.94045C>T on transcript NM_001267550.2 (MANE Select); coding-DNA position 94045, C replaced by T.
Protein change: p.Arg31349Cys; replaces arginine 31349 with cysteine.
Molecular consequence: missense variant.
Genome position (GRCh38, 1-based): chr2:178,547,581, G>A on the plus strand (C>T on the coding strand, the complement: TTN is on the minus strand). VCF-style: chr2-178547581-G-A. GRCh37 (hg19) VCF-style: chr2-179412308-G-A.
Other names: c.89122C>T, p.Arg29708Cys (NM_001256850.1); c.67225C>T, p.Arg22409Cys (NM_133432.3); c.67426C>T, p.Arg22476Cys (NM_133437.4); c.66850C>T, p.Arg22284Cys (NM_003319.4); c.86341C>T, p.Arg28781Cys (NM_133378.4); short protein forms R28781C, R31349C, R22284C, R29708C, R22409C, R22476C.
Identifiers: ClinVar variation 165722 (VCV000165722.16), dbSNP rs727503549, ClinGen allele CA178433.
Genomic context (GRCh38, chr2:178,547,581, plus strand): 5'-TAATTTGAGTGCGCTTGACACTGGAATTGACAAGCTGCCAAGCTGTTGTACCCGATTCAC[G>A]CTTTTCAACTATGTAATTAGTAATTTCAGTGCCTCCTCCATCTTTAGGTTCTCCCCATGA-3'
Protein context (NP_001254479.2, residues 31339-31359): TEITNYIVEK[Arg31349Cys]ESGTTAWQLV